The following is an entry in ClinVar:

NM_006767.4(LZTR1):c.1112C>T (p.Thr371Ile)

Gene: LZTR1 (leucine zipper like post translational regulator 1; plus strand). Cytogenetic location: 22q11.21.
Variant type: single nucleotide variant.
Coding change: c.1112C>T on transcript NM_006767.4 (MANE Select); coding-DNA position 1112, C replaced by T.
Protein change: p.Thr371Ile; replaces threonine 371 with isoleucine.
Molecular consequence: missense variant.
Genome position (GRCh38, 1-based): chr22:20,992,332, C>T. VCF-style: chr22-20992332-C-T. GRCh37 (hg19) VCF-style: chr22-21346621-C-T.
Other names: short protein forms T371I.
Identifiers: ClinVar variation 1795473 (VCV001795473.7), dbSNP rs372126023, ClinGen allele CA10118721.

ClinVar aggregate classification (germline): Uncertain significance. Review status: criteria provided, multiple submitters, no conflicts (2 of 4 stars). 2 submissions from 2 submitters: Uncertain significance (2). Last evaluated 2025-06-01.

Conditions:
Cardiovascular phenotype. Identifiers: MedGen CN230736.
Hereditary cancer-predisposing syndrome. Also called: Tumor predisposition; Hereditary Cancer Syndrome; Neoplastic Syndromes, Hereditary; Hereditary neoplastic syndrome. Identifiers: Orphanet 140162, MedGen C0027672, MeSH D009386, MONDO:0015356.

Allele frequency attached by ClinVar (database versions not stated): gnomAD exomes below 0.00001; ExAC 0.00001; gnomAD 0.00001; TOPMed 0.00003; ESP Exome Variant Server 0.00008.
gnomAD v4.1: 4 of 1,613,722 alleles (0.00025%); highest among the groups gnomAD compares: African/African-American, 0.004%; no homozygotes.

Submissions (2):

Labcorp Genetics (formerly Invitae), Labcorp
Classification: Uncertain significance. Last evaluated: 2025-06-01. Review status: criteria provided, single submitter. Criteria: Invitae Variant Classification Sherloc (09022015). Collection method: clinical testing. Allele origin: germline.
Comment: This sequence change replaces threonine, which is neutral and polar, with isoleucine, which is neutral and non-polar, at codon 371 of the LZTR1 protein (p.Thr371Ile). The frequency data for this variant in the population databases is considered unreliable, as metrics indicate poor data quality at this position in the gnomAD database. This variant has not been reported in the literature in individuals affected with LZTR1-related conditions. ClinVar contains an entry for this variant (Variation ID: 1795473). Invitae Evidence Modeling of protein sequence and biophysical properties (such as structural, functional, and spatial information, amino acid conservation, physicochemical variation, residue mobility, and thermodynamic stability) indicates that this missense variant is not expected to disrupt LZTR1 protein function with a negative predictive value of 80%. In summary, the available evidence is currently insufficient to determine the role of this variant in disease. Therefore, it has been classified as a Variant of Uncertain Significance.

Ambry Genetics
Classification: Uncertain significance for Cardiovascular phenotype; Hereditary cancer-predisposing syndrome. Last evaluated: 2023-05-09. Review status: criteria provided, single submitter. Criteria: Ambry Variant Classification Scheme 2023. Collection method: clinical testing. Allele origin: germline.
Comment: The p.T371I variant (also known as c.1112C>T), located in coding exon 10 of the LZTR1 gene, results from a C to T substitution at nucleotide position 1112. The threonine at codon 371 is replaced by isoleucine, an amino acid with similar properties. This amino acid position is not well conserved in available vertebrate species. In addition, this alteration is predicted to be tolerated by in silico analysis. Since supporting evidence is limited at this time, the clinical significance of this alteration remains unclear.